The following is an entry in ClinVar:

NM_007055.4(POLR3A):c.185C>T (p.Thr62Met)

Genes: POLR3A (RNA polymerase III subunit A; minus strand), LOC126860971 (CDK7 strongly-dependent group 2 enhancer GRCh37_chr10:79784551-79785750; plus strand). Cytogenetic location: 10q22.3.
Variant type: single nucleotide variant.
Coding change: c.185C>T on transcript NM_007055.4 (MANE Select); coding-DNA position 185, C replaced by T.
Protein change: p.Thr62Met; replaces threonine 62 with methionine.
Molecular consequence: missense variant.
Genome position (GRCh38, 1-based): chr10:78,025,755, G>A on the plus strand (C>T on the coding strand, the complement: POLR3A is on the minus strand). VCF-style: chr10-78025755-G-A. GRCh37 (hg19) VCF-style: chr10-79785513-G-A.
Other names: short protein forms T62M.
Identifiers: ClinVar variation 1381131 (VCV001381131.3), dbSNP rs185508362, ClinGen allele CA5571766.
Genomic context (GRCh38, chr10:78,025,755, plus strand): 5'-TGGCCTAGACAGTCAGCCAAGTTTTTCCCACAGGTTTCACATGGACGATCCTTCTCACTC[G>A]TACCCTTTGAAAAAAAGCACACCCAATGATCAACACAGACTGCTGGACGGGAAAGAGTGC-3'
Protein context (NP_008986.2, residues 52-72): LYGVLDHRMG[Thr62Met]SEKDRPCETC

ClinVar aggregate classification (germline): Uncertain significance (1 of 4 stars; one submission).

Allele frequency attached by ClinVar (database versions not stated): gnomAD 0.00001; gnomAD exomes 0.00001 and 0.00003; ExAC 0.00003; 1000 Genomes Project 30x 0.00016; 1000 Genomes Project 0.00020.

Submission:

Labcorp Genetics (formerly Invitae), Labcorp
Classification: Uncertain significance. Last evaluated: 2021-11-25. Review status: criteria provided, single submitter. Criteria: Invitae Variant Classification Sherloc (09022015). Collection method: clinical testing. Allele origin: germline.
Comment: This sequence change replaces threonine, which is neutral and polar, with methionine, which is neutral and non-polar, at codon 62 of the POLR3A protein (p.Thr62Met). This variant is present in population databases (rs185508362, gnomAD 0.01%). This variant has not been reported in the literature in individuals affected with POLR3A-related conditions. Algorithms developed to predict the effect of missense changes on protein structure and function (SIFT, PolyPhen-2, Align-GVGD) all suggest that this variant is likely to be tolerated. In summary, the available evidence is currently insufficient to determine the role of this variant in disease. Therefore, it has been classified as a Variant of Uncertain Significance.